The following is an entry in ClinVar:

NM_020911.2(PLXNA4):c.1864C>T (p.Arg622Trp)

Gene: PLXNA4 (plexin A4; minus strand). Cytogenetic location: 7q32.3.
Variant type: single nucleotide variant.
Coding change: c.1864C>T on transcript NM_020911.2 (MANE Select); coding-DNA position 1864, C replaced by T.
Protein change: p.Arg622Trp; replaces arginine 622 with tryptophan.
Molecular consequence: missense variant.
Genome position (GRCh38, 1-based): chr7:132,227,469, G>A on the plus strand (C>T on the coding strand, the complement: PLXNA4 is on the minus strand). VCF-style: chr7-132227469-G-A. GRCh37 (hg19) VCF-style: chr7-131912228-G-A.
Other names: c.1864C>T, p.Arg622Trp (NM_001393897.1); short protein forms R622W.
Identifiers: ClinVar variation 2634495 (VCV002634495.3), dbSNP rs1428537805, ClinGen allele CA369313763.
Genomic context (GRCh38, chr7:132,227,469, plus strand): 5'-GGAGGAAGAAGTGCCACTCAGCTGTGCCTCCGGGATGCTCACCATTCTCTGTGATGATCC[G>A]GGGCACCTCCTTGGCTGCAGGGGAGTAGCACTGGATCTGATTGCCCACGACCAGCCCATC-3'
Protein context (NP_065962.1, residues 612-632): CYSPAAKEVP[Arg622Trp]IITENGDHHV

ClinVar aggregate classification (germline): Uncertain significance (0 of 4 stars; one submission).

Conditions:
PLXNA4-related disorder. Also called: PLXNA4-related condition.

Allele frequency attached by ClinVar (database versions not stated): gnomAD exomes 0.00001.
gnomAD v4.1: 8 of 1,614,118 alleles (0.0005%); highest among the groups gnomAD compares: Admixed American, 0.0017%; no homozygotes.

Submission:

PreventionGenetics, part of Exact Sciences
Classification: Uncertain significance for PLXNA4-related condition. Last evaluated: 2024-02-01. Review status: no assertion criteria provided. Collection method: clinical testing. Allele origin: germline.
Comment: The PLXNA4 c.1864C>T variant is predicted to result in the amino acid substitution p.Arg622Trp. To our knowledge, this variant has not been reported in the literature. This variant is reported in 0.0029% of alleles in individuals of Latino descent in gnomAD. At this time, the clinical significance of this variant is uncertain due to the absence of conclusive functional and genetic evidence.